The following is an entry in ClinVar:

ClinVar aggregate classification (germline): Uncertain significance (1 of 4 stars; one submission).

Conditions:
Pyruvate kinase deficiency of red cells (CNSHA2). Also called: PK DEFICIENCY; PYRUVATE KINASE DEFICIENCY OF ERYTHROCYTE; Pyruvate kinase deficiency, Amish type. Identifiers: Orphanet 766, MedGen C0340968, MONDO:0009950, OMIM 266200.

gnomAD v4.1: 9 of 1,614,240 alleles (0.00056%); highest among the groups gnomAD compares: East Asian, 0.0045%; no homozygotes.

Submission:

Juno Genomics, Hangzhou Juno Genomics, Inc
Classification: Uncertain significance for Pyruvate kinase deficiency of red cells. Review status: criteria provided, single submitter. Criteria: ACMG Guidelines, 2015. Collection method: clinical testing. Allele origin: germline. Affected: yes.
Comment: Absent from controls (or at extremely low frequency if recessive) in Genome Aggregation Database, Exome Sequencing Project, 1000 Genomes Project, or Exome Aggregation Consortium.;Multiple lines of computational evidence support a deleterious effect on the gene or gene product (conservation, evolutionary, splicing impact, etc).;For recessive disorders, detected in trans with a pathogenic variant.

NM_000298.6(PKLR):c.958G>C (p.Val320Leu)

Gene: PKLR (pyruvate kinase L/R; minus strand). Cytogenetic location: 1q22.
Variant type: single nucleotide variant.
Coding change: c.958G>C on transcript NM_000298.6 (MANE Select); coding-DNA position 958, G replaced by C.
Protein change: p.Val320Leu; replaces valine 320 with leucine.
Molecular consequence: missense variant.
Genome position (GRCh38, 1-based): chr1:155,294,489, C>G on the plus strand (G>C on the coding strand, the complement: PKLR is on the minus strand). VCF-style: chr1-155294489-C-G. GRCh37 (hg19) VCF-style: chr1-155264280-C-G.
Other names: c.865G>C, p.Val289Leu (NM_181871.4); short protein forms V289L, V320L.
Identifiers: ClinVar variation 3382656 (VCV003382656.2).